The following is an entry in ClinVar:

ClinVar aggregate classification (germline): Pathogenic/Likely pathogenic. Review status: no assertion criteria provided (0 of 4 stars). 2 submissions from 2 submitters: Pathogenic (1); Likely pathogenic (1). Last evaluated 2024-10-15.

Conditions:
Pyruvate dehydrogenase E1-alpha deficiency (PDHAD). Also called: ATAXIA, INTERMITTENT, WITH PYRUVATE DEHYDROGENASE DEFICIENCY; ATAXIA WITH LACTIC ACIDOSIS I; ATAXIA, INTERMITTENT, WITH ABNORMAL PYRUVATE METABOLISM; Ataxia, intermittent, with pyruvate dehydrogenase, or decarboxylase, deficiency. Identifiers: Orphanet 79243, MedGen C1839413, MONDO:0010717, OMIM 312170.

Submissions (2):

PDHA1 Study Group, University Children’s Hospital, Paracelsus Medical University
Classification: Likely pathogenic for Pyruvate dehydrogenase E1-alpha deficiency. Last evaluated: 2024-10-15. Review status: no assertion criteria provided. Collection method: research. Allele origin: inherited. Affected: yes. Observed: 1 variant allele.
Comment: The NM_000284.3:c.648A>C (p.Leu216Phe) substitution is a missense variant in PDHA1 gene. Among them, 1 were confirmed inherited. The variant has been reported in 1 published case (PMIDs: 12379317). Last literature search: July 12, 2024. This variant is absent or extremely rare in population-based cohorts in the Genome Aggregation Database (gnomAD). Individuals harboring this variant presented with clinical features compatible with PDHA1-related PDHc deficiency. In summary, this variant meets criteria to be classified as likely pathogenic (LP) for PDHA1-related PDHc deficiency based on the ACMG/AMP criteria applied: PS3, PM1, PM2, PP3 (last assessment October 15, 2024).

OMIM
Classification: Pathogenic for PYRUVATE DEHYDROGENASE E1-ALPHA DEFICIENCY. Last evaluated: 2002-10-09. Review status: no assertion criteria provided. Collection method: literature only. Allele origin: germline.

Literature cited by the submitters: PubMed 12379317 (cited by PDHA1 Study Group, University Children’s Hospital, Paracelsus Medical University and OMIM); DOI 10.1093/brain/awaf430 (cited by PDHA1 Study Group, University Children’s Hospital, Paracelsus Medical University).

NM_000284.4(PDHA1):c.648A>C (p.Leu216Phe)

Gene: PDHA1 (pyruvate dehydrogenase E1 subunit alpha 1; plus strand). Cytogenetic location: Xp22.12.
Variant type: single nucleotide variant.
Coding change: c.648A>C on transcript NM_000284.4 (MANE Select); coding-DNA position 648, A replaced by C.
Protein change: p.Leu216Phe; replaces leucine 216 with phenylalanine.
Molecular consequence: missense variant.
Genome position (GRCh38, 1-based): chrX:19,355,393, A>C. VCF-style: chrX-19355393-A-C. GRCh37 (hg19) VCF-style: chrX-19373511-A-C.
Other names: c.762A>C, p.Leu254Phe (NM_001173454.2); c.669A>C, p.Leu223Phe (NM_001173455.2); c.555A>C, p.Leu185Phe (NM_001173456.2); c.648A>C (NM_000284.3); short protein forms L216F, L185F, L223F, L254F.
Identifiers: ClinVar variation 10893 (VCV000010893.3), dbSNP rs121917898, ClinGen allele CA121228.